The following is an entry in ClinVar:

NM_014423.4(AFF4):c.1766C>A (p.Pro589His)

Gene: AFF4 (ALF transcription elongation factor 4; minus strand). Cytogenetic location: 5q31.1.
Variant type: single nucleotide variant.
Coding change: c.1766C>A on transcript NM_014423.4 (MANE Select); coding-DNA position 1766, C replaced by A.
Protein change: p.Pro589His; replaces proline 589 with histidine.
Molecular consequence: missense variant.
Genome position (GRCh38, 1-based): chr5:132,896,864, G>T on the plus strand (C>A on the coding strand, the complement: AFF4 is on the minus strand). VCF-style: chr5-132896864-G-T. GRCh37 (hg19) VCF-style: chr5-132232556-G-T.
Other names: short protein forms P589H.
Identifiers: ClinVar variation 2718822 (VCV002718822.3), dbSNP rs559274503, ClinGen allele CA3409041.

ClinVar aggregate classification (germline): Uncertain significance (1 of 4 stars; one submission).

Conditions:
Cognitive impairment - coarse facies - heart defects - obesity - pulmonary involvement - short stature - skeletal dysplasia syndrome. Also called: AFF4-Related CHOPS Syndrome; COGNITIVE IMPAIRMENT, COARSE FACIES, HEART DEFECTS, OBESITY, PULMONARY INVOLVEMENT, SHORT STATURE, AND SKELETAL DYSPLASIA; Chops syndrome. Identifiers: Orphanet 444077, MedGen C4085597, MONDO:0014609, OMIM 616368.

Allele frequency attached by ClinVar (database versions not stated): gnomAD 0.00001; ExAC 0.00003; 1000 Genomes Project 30x 0.00016; 1000 Genomes Project 0.00020.
gnomAD v4.1: 13 of 1,614,108 alleles (0.00081%); highest among the groups gnomAD compares: East Asian, 0.027%; no homozygotes.

Submission:

Labcorp Genetics (formerly Invitae), Labcorp
Classification: Uncertain significance for Cognitive impairment - coarse facies - heart defects - obesity - pulmonary involvement - short stature - skeletal dysplasia syndrome. Last evaluated: 2023-05-20. Review status: criteria provided, single submitter. Criteria: Invitae Variant Classification Sherloc (09022015). Collection method: clinical testing. Allele origin: germline.
Comment: In summary, the available evidence is currently insufficient to determine the role of this variant in disease. Therefore, it has been classified as a Variant of Uncertain Significance. Advanced modeling of protein sequence and biophysical properties (such as structural, functional, and spatial information, amino acid conservation, physicochemical variation, residue mobility, and thermodynamic stability) performed at Invitae indicates that this missense variant is not expected to disrupt AFF4 protein function. This variant has not been reported in the literature in individuals affected with AFF4-related conditions. This variant is present in population databases (rs559274503, gnomAD 0.02%). This sequence change replaces proline, which is neutral and non-polar, with histidine, which is basic and polar, at codon 589 of the AFF4 protein (p.Pro589His).